The following is an entry in ClinVar:

ClinVar aggregate classification (germline): Uncertain significance (1 of 4 stars; one submission).

Submission:

Women's Health and Genetics/Laboratory Corporation of America, LabCorp
Classification: Uncertain significance. Last evaluated: 2025-06-13. Review status: criteria provided, single submitter. Criteria: LabCorp Variant Classification Summary - May 2015. Collection method: clinical testing. Allele origin: germline.
Comment: Variant summary: The variant involves the deletion of exons 81-83 in the RYR2 gene. This Copy Number Variant (CNV) is expected to alter the reading frame and predicted to result in a truncation or absence of the encoded protein due to nonsense mediated decay (NMD). A presumed nomenclature of c.(11145+1_11146-1)_(11402+1_11403-1)del has been designated for the purposes of this classification. Current evidence is not sufficient to establish loss of function as a mechanism for disease. The variant was absent in 21694 control chromosomes (gnomAD). The available data on variant occurrences in the general population are insufficient to allow any conclusion about variant significance. To our knowledge, no occurrence of c.(11145+1_11146-1)_(11402+1_11403-1)del in individuals affected with Catecholaminergic Polymorphic Ventricular Tachycardia and no experimental evidence demonstrating its impact on protein function have been reported. No submitters have cited clinical-significance assessments for this variant to ClinVar. Based on the evidence outlined above, the variant was classified as uncertain significance.

NC_000001.10:g.(237905650_237919587)_(237923153_237924254)del

Gene: RYR2 (ryanodine receptor 2; plus strand). Cytogenetic location: 1q43.
Variant type: Deletion.
Identifiers: ClinVar variation 3907130 (VCV003907130.1).